The following is an entry in ClinVar:

ClinVar aggregate classification (germline): Uncertain significance (1 of 4 stars; one submission).

Conditions:
Neuroblastoma, susceptibility to, 3. Also called: ALK-Related Neuroblastic Tumor Susceptibility. Identifiers: Orphanet 635, MedGen C2751681, MONDO:0013083, OMIM 613014.

Submission:

Labcorp Genetics (formerly Invitae), Labcorp
Classification: Uncertain significance for Neuroblastoma, susceptibility to, 3. Last evaluated: 2020-03-23. Review status: criteria provided, single submitter. Criteria: Invitae Variant Classification Sherloc (09022015). Collection method: clinical testing. Allele origin: unknown.
Comment: In summary, the available evidence is currently insufficient to determine the role of this variant in disease. Therefore, it has been classified as a Variant of Uncertain Significance. The current clinical and genetic evidence is not sufficient to establish whether loss-of-function variants in ALK cause disease. This variant has not been reported in the literature in individuals with ALK-related conditions. This variant is a gross deletion of the genomic region encompassing part of exon 1 (c.-909_361del) of the ALK gene, which includes the initiator codon. This is expected to result in an absent or disrupted protein product.

NC_000002.11:g.(?_30143165)_(30144434_?)del

Gene: ALK (ALK receptor tyrosine kinase; minus strand). Cytogenetic location: 2p23.1.
Variant type: Deletion.
Identifiers: ClinVar variation 3247361 (VCV003247361.1).